The following is an entry in ClinVar:

NM_000038.6(APC):c.535T>C (p.Ser179Pro)

Gene: APC (APC regulator of WNT signaling pathway; plus strand). Cytogenetic location: 5q22.2.
Variant type: single nucleotide variant.
Coding change: c.535T>C on transcript NM_000038.6 (MANE Select); coding-DNA position 535, T replaced by C.
Protein change: p.Ser179Pro; replaces serine 179 with proline.
Molecular consequence: missense variant. On other transcripts: 5 prime UTR variant (4), non-coding transcript variant (2).
Genome position (GRCh38, 1-based): chr5:112,780,793, T>C. VCF-style: chr5-112780793-T-C. GRCh37 (hg19) VCF-style: chr5-112116490-T-C.
Other names: c.535T>C, p.Ser179Pro (NM_001127510.3, NM_001354895.2, NM_001354896.2 and 16 more transcripts); c.565T>C, p.Ser189Pro (NM_001127511.3, NM_001354897.2, NM_001354902.2 and 1 more transcripts); c.460T>C, p.Ser154Pro (NM_001354898.2, NM_001354904.2, NM_001407451.1); c.358T>C, p.Ser120Pro (NM_001354900.2, NM_001354901.2, NM_001354905.2 and 1 more transcripts); c.-501T>C (NM_001354906.2, NM_001407470.1, NM_001407471.1 and 1 more transcripts); short protein forms S120P, S154P, S179P, S189P.
Identifiers: ClinVar variation 3069574 (VCV003069574.1), dbSNP rs2149638985, ClinGen allele CA16022500.

ClinVar aggregate classification (germline): Uncertain significance (1 of 4 stars; one submission).

Conditions:
Classic or attenuated familial adenomatous polyposis. Identifiers: MedGen CN372698, MONDO:0021057.

Submission:

All of Us Research Program, National Institutes of Health
Classification: Uncertain significance for Classic or attenuated familial adenomatous polyposis. Last evaluated: 2023-02-24. Review status: criteria provided, single submitter. Criteria: ACMG Guidelines, 2015. Collection method: clinical testing. Allele origin: germline. Inheritance: Autosomal dominant inheritance. Observed: 1 variant allele, 1 heterozygote.
Comment: This missense variant replaces serine with proline at codon 179 of the APC protein. Computational prediction is inconclusive regarding the impact of this variant on protein structure and function (internally defined REVEL score threshold 0.5 < inconclusive < 0.7, PMID: 27666373). To our knowledge, functional studies have not been reported for this variant. This variant has not been reported in individuals affected with APC-related disorders in the literature. This variant has not been identified in the general population by the Genome Aggregation Database (gnomAD). The available evidence is insufficient to determine the role of this variant in disease conclusively. Therefore, this variant is classified as a Variant of Uncertain Significance.

This study involves interpretation of variants in research participants for the purpose of population health screening. Participant phenotype was not available at the time of variant classification. Additional details can be found in publication PMID: 35346344, PMCID: PMC8962531